The following is an entry in ClinVar:

ClinVar aggregate classification (germline): Benign (1 of 4 stars; one submission).

Allele frequency attached by ClinVar (database versions not stated): ESP Exome Variant Server 0.00161; TOPMed 0.00215; gnomAD 0.00252; 1000 Genomes Project 30x 0.00281; gnomAD exomes 0.00323; 1000 Genomes Project 0.00339; ExAC 0.00393.
gnomAD v4.1: 5,151 of 1,614,240 alleles (0.32%); highest among the groups gnomAD compares: South Asian, 1.3%; 33 homozygotes.

Submission:

CeGaT Center for Human Genetics Tuebingen
Classification: Benign. Last evaluated: 2023-01-01. Review status: criteria provided, single submitter. Criteria: CeGaT Center For Human Genetics Tuebingen Variant Classification Criteria Version 2. Collection method: clinical testing. Allele origin: germline. Affected: yes. Observed: 1 variant allele.
Comment: TMT1B: BP4, BS1, BS2

NM_152637.3(TMT1B):c.302C>T (p.Pro101Leu)

Gene: TMT1B (thiol methyltransferase 1B; plus strand). Cytogenetic location: 12q13.2.
Variant type: single nucleotide variant.
Coding change: c.302C>T on transcript NM_152637.3 (MANE Select); coding-DNA position 302, C replaced by T.
Protein change: p.Pro101Leu; replaces proline 101 with leucine.
Molecular consequence: missense variant.
Genome position (GRCh38, 1-based): chr12:55,682,056, C>T. VCF-style: chr12-55682056-C-T. GRCh37 (hg19) VCF-style: chr12-56075840-C-T.
Other names: short protein forms P101L.
Identifiers: ClinVar variation 2643061 (VCV002643061.24), dbSNP rs74421938, ClinGen allele CA6615102.